The following is an entry in ClinVar:

ClinVar aggregate classification (germline): Uncertain significance (1 of 4 stars; one submission).

Conditions:
Neuroblastoma, susceptibility to, 3. Also called: ALK-Related Neuroblastic Tumor Susceptibility. Identifiers: Orphanet 635, MedGen C2751681, MONDO:0013083, OMIM 613014.

Submission:

Labcorp Genetics (formerly Invitae), Labcorp
Classification: Uncertain significance for Neuroblastoma, susceptibility to, 3. Last evaluated: 2022-10-31. Review status: criteria provided, single submitter. Criteria: Invitae Variant Classification Sherloc (09022015). Collection method: clinical testing. Allele origin: germline.
Comment: In summary, the available evidence is currently insufficient to determine the role of this variant in disease. Therefore, it has been classified as a Variant of Uncertain Significance. Variants that disrupt the consensus splice site are a relatively common cause of aberrant splicing (PMID: 17576681, 9536098). Algorithms developed to predict the effect of sequence changes on RNA splicing suggest that this variant is not likely to affect RNA splicing. ClinVar contains an entry for this variant (Variation ID: 957747). This variant has not been reported in the literature in individuals affected with ALK-related conditions. This variant is not present in population databases (gnomAD no frequency). This sequence change falls in intron 14 of the ALK gene. It does not directly change the encoded amino acid sequence of the ALK protein. It affects a nucleotide within the consensus splice site.

Literature cited by the submitters: PubMed 17576681; PubMed 9536098.

NM_004304.5(ALK):c.2487+6G>A

Gene: ALK (ALK receptor tyrosine kinase; minus strand). Cytogenetic location: 2p23.2.
Variant type: single nucleotide variant.
Coding change: c.2487+6G>A on transcript NM_004304.5 (MANE Select); 6 bases into the intron after coding-DNA position 2487, G replaced by A.
Molecular consequence: intron variant.
Genome position (GRCh38, 1-based): chr2:29,233,559, C>T on the plus strand (G>A on the coding strand, the complement: ALK is on the minus strand). VCF-style: chr2-29233559-C-T. GRCh37 (hg19) VCF-style: chr2-29456425-C-T.
Identifiers: ClinVar variation 957747 (VCV000957747.9), dbSNP rs1664279510, ClinGen allele CA1139656842.
Genomic context (GRCh38, chr2:29,233,559, plus strand): 5'-TGTCATGAGGCTCTGACATTGCAGATGCACAGGAACCTGGTGGAAATCTGGCAGCACACA[C>T]CATACCTTAAATACGTAGGTGGCTCCACCCCCTCCTCCTCCGCCTCCTGCCCACTCATGC-3'